The following is an entry in ClinVar:

NM_001127649.3(PEX26):c.145C>G (p.Leu49Val)

Gene: PEX26 (peroxisomal biogenesis factor 26; plus strand). Cytogenetic location: 22q11.21.
Variant type: single nucleotide variant.
Coding change: c.145C>G on transcript NM_001127649.3 (MANE Select); coding-DNA position 145, C replaced by G.
Protein change: p.Leu49Val; replaces leucine 49 with valine.
Molecular consequence: missense variant.
Genome position (GRCh38, 1-based): chr22:18,078,521, C>G. VCF-style: chr22-18078521-C-G. GRCh37 (hg19) VCF-style: chr22-18561287-C-G.
Other names: c.145C>G, p.Leu49Val (NM_001199319.2, NM_017929.6); short protein forms L49V.
Identifiers: ClinVar variation 2112298 (VCV002112298.4), dbSNP rs1308033481, ClinGen allele CA410264873.

ClinVar aggregate classification (germline): Uncertain significance (1 of 4 stars; one submission).

Conditions:
Peroxisome biogenesis disorder 7A (Zellweger). Also called: Peroxisome biogenesis disorder 7A. Identifiers: Orphanet 912, MedGen C3888385, MONDO:0013938, OMIM 614872.
Peroxisome biogenesis disorder 7B (PBD7B). Identifiers: Orphanet 44, MedGen C3553951, MONDO:0013939, OMIM 614873.

Submission:

Labcorp Genetics (formerly Invitae), Labcorp
Classification: Uncertain significance for Peroxisome biogenesis disorder 7A (Zellweger); Peroxisome biogenesis disorder 7B. Last evaluated: 2022-03-15. Review status: criteria provided, single submitter. Criteria: Invitae Variant Classification Sherloc (09022015). Collection method: clinical testing. Allele origin: germline.
Comment: This sequence change replaces leucine, which is neutral and non-polar, with valine, which is neutral and non-polar, at codon 49 of the PEX26 protein (p.Leu49Val). This variant is not present in population databases (gnomAD no frequency). This variant has not been reported in the literature in individuals affected with PEX26-related conditions. Algorithms developed to predict the effect of missense changes on protein structure and function are either unavailable or do not agree on the potential impact of this missense change (SIFT: "Tolerated"; PolyPhen-2: "Possibly Damaging"; Align-GVGD: "Class C0"). In summary, the available evidence is currently insufficient to determine the role of this variant in disease. Therefore, it has been classified as a Variant of Uncertain Significance.